The following is an entry in ClinVar:

NM_001035.3(RYR2):c.46A>G (p.Thr16Ala)

Gene: RYR2 (ryanodine receptor 2; plus strand). Cytogenetic location: 1q43.
Variant type: single nucleotide variant.
Coding change: c.46A>G on transcript NM_001035.3 (MANE Select); coding-DNA position 46, A replaced by G.
Protein change: p.Thr16Ala; replaces threonine 16 with alanine.
Molecular consequence: missense variant.
Genome position (GRCh38, 1-based): chr1:237,042,567, A>G. VCF-style: chr1-237042567-A-G. GRCh37 (hg19) VCF-style: chr1-237205867-A-G.
Other names: short protein forms T16A.
Identifiers: ClinVar variation 920006 (VCV000920006.3), dbSNP rs1660040720, ClinGen allele CA345654228.

ClinVar aggregate classification (germline): Uncertain significance (1 of 4 stars; one submission).

Conditions:
Cardiomyopathy (CMYO). Also called: Cardiomyopathies. Identifiers: Orphanet 167848, MedGen C0878544, MONDO:0004994, HP:0001638. Inheritance: Various modes of inheritance.

Submission:

Color Diagnostics, LLC DBA Color Health
Classification: Uncertain significance for Cardiomyopathy. Last evaluated: 2019-11-06. Review status: criteria provided, single submitter. Criteria: ACMG Guidelines, 2015. Collection method: clinical testing. Allele origin: germline.
Comment: This missense variant replaces threonine with alanine at codon 16 of the RYR2 protein. Computational prediction suggests that this variant may not impact protein structure and function (internally defined REVEL score threshold <= 0.5, PMID: 27666373). Splice site prediction tools suggest that this variant may not impact RNA splicing. To our knowledge, functional studies have not been performed for this variant. This variant has not been reported in individuals affected with cardiovascular disorders in the literature. This variant has not been identified in the general population by the Genome Aggregation Database (gnomAD). The available evidence is insufficient to determine the role of this variant in disease conclusively. Therefore, this variant is classified as a Variant of Uncertain Significance.